The following is an entry in ClinVar:

ClinVar aggregate classification (germline): Uncertain significance (1 of 4 stars; one submission).

Conditions:
Charcot-Marie-Tooth disease type 4. Also called: Charcot-Marie-Tooth disease, type IV; Charcot-Marie-Tooth, Type 4. Identifiers: Orphanet 64749, MedGen C4082197, MONDO:0018995.

gnomAD v4.1: 7 of 1,612,966 alleles (0.00043%); highest among the groups gnomAD compares: East Asian, 0.0045%; no homozygotes.

Submission:

Labcorp Genetics (formerly Invitae), Labcorp
Classification: Uncertain significance for Charcot-Marie-Tooth disease type 4. Last evaluated: 2025-05-09. Review status: criteria provided, single submitter. Criteria: Invitae Variant Classification Sherloc (09022015). Collection method: clinical testing. Allele origin: germline.
Comment: This sequence change replaces glutamic acid, which is acidic and polar, with lysine, which is basic and polar, at codon 400 of the SBF2 protein (p.Glu400Lys). This variant is present in population databases (rs201970985, gnomAD 0.0009%). This variant has not been reported in the literature in individuals affected with SBF2-related conditions. Invitae Evidence Modeling of protein sequence and biophysical properties (such as structural, functional, and spatial information, amino acid conservation, physicochemical variation, residue mobility, and thermodynamic stability) indicates that this missense variant is expected to disrupt SBF2 protein function with a positive predictive value of 80%. In summary, the available evidence is currently insufficient to determine the role of this variant in disease. Therefore, it has been classified as a Variant of Uncertain Significance.

NM_030962.4(SBF2):c.1198G>A (p.Glu400Lys)

Gene: SBF2 (SET binding factor 2; minus strand). Cytogenetic location: 11p15.4.
Variant type: single nucleotide variant.
Coding change: c.1198G>A on transcript NM_030962.4 (MANE Select); coding-DNA position 1198, G replaced by A.
Protein change: p.Glu400Lys; replaces glutamic acid 400 with lysine.
Molecular consequence: missense variant. On other transcripts: intron variant (1).
Genome position (GRCh38, 1-based): chr11:9,992,513, C>T on the plus strand (G>A on the coding strand, the complement: SBF2 is on the minus strand). VCF-style: chr11-9992513-C-T. GRCh37 (hg19) VCF-style: chr11-10014060-C-T.
Other names: c.1198G>A, p.Glu400Lys (NM_001386339.1); c.1234G>A, p.Glu412Lys (NM_001424318.1, NM_001425069.1, NM_001425070.1); c.1167+477G>A (NM_001386342.1); short protein forms E400K, E412K.
Identifiers: ClinVar variation 4751937 (VCV004751937.1).
Genomic context (GRCh38, chr11:9,992,513, plus strand): 5'-TTTCTGAAACAAAACCTGCAAATGCCATTCCACTGAGTACTTTAGTGAGGAAATCATTCT[C>T]GACCAAACCACGCTGCCCCAAGAATGCTGTCTGTGAAAAAAGAAAATGTGAAATAATAAT-3'
Protein context (NP_112224.1, residues 390-410): TAFLGQRGLV[Glu400Lys]NDFLTKVLSG